The following is an entry in ClinVar:

ClinVar aggregate classification (germline): Pathogenic (1 of 4 stars; one submission).

Conditions:
Duchenne muscular dystrophy (DMD). Also called: MUSCULAR DYSTROPHY, PSEUDOHYPERTROPHIC PROGRESSIVE, DUCHENNE TYPE; Duchenne Muscular Dystrophy (DMD). Identifiers: Orphanet 98896, MedGen C0013264, MONDO:0010679, OMIM 310200.

Submission:

Labcorp Genetics (formerly Invitae), Labcorp
Classification: Pathogenic for Duchenne muscular dystrophy. Last evaluated: 2016-12-13. Review status: criteria provided, single submitter. Criteria: Invitae Variant Classification Sherloc (09022015). Collection method: clinical testing. Allele origin: germline.
Comment: While this particular variant has not been reported in the literature, loss-of-function variants in DMD are known to be pathogenic (PMID: 16770791). For these reasons, this variant has been classified as Pathogenic. This variant is a gross deletion encompassing 43,226 bps of intron 51 and 74 bps of exon 52 of the DMD gene. This creates a premature translational stop signal and is expected to result in an absent or disrupted protein product.

Literature cited by the submitters: PubMed 16770791.

NC_000023.10:g.(?_31747792)_(31791091_?)del

Gene: DMD (dystrophin; minus strand). Cytogenetic location: Xp21.1.
Variant type: Deletion.
Identifiers: ClinVar variation 1075225 (VCV001075225.9).